The following is an entry in ClinVar:

ClinVar aggregate classification (germline): Conflicting classifications of pathogenicity. Review status: criteria provided, conflicting classifications (1 of 4 stars). 2 submissions from 2 submitters: Uncertain significance (1); Likely benign (1). Last evaluated 2026-04-01.

gnomAD v4.1: 43 of 1,608,926 alleles (0.0027%); highest among the groups gnomAD compares: Non-Finnish European, 0.0032%; no homozygotes.

Submissions (2):

CeGaT Center for Human Genetics Tuebingen
Classification: Uncertain significance. Last evaluated: 2026-04-01. Review status: criteria provided, single submitter. Criteria: CeGaT Center For Human Genetics Tuebingen Variant Classification Criteria Version 2. Collection method: clinical testing. Allele origin: germline. Affected: yes. Observed: 1 variant allele.
Comment: SBF1: PM2, BP4

Labcorp Genetics (formerly Invitae), Labcorp
Classification: Likely benign. Last evaluated: 2025-02-25. Review status: criteria provided, single submitter. Criteria: Invitae Variant Classification Sherloc (09022015). Collection method: clinical testing. Allele origin: germline.

NM_002972.4(SBF1):c.2644-6G>A

Gene: SBF1 (SET binding factor 1; minus strand). Cytogenetic location: 22q13.33.
Variant type: single nucleotide variant.
Coding change: c.2644-6G>A on transcript NM_002972.4 (MANE Select); 6 bases into the intron before coding-DNA position 2644, G replaced by A.
Molecular consequence: intron variant.
Genome position (GRCh38, 1-based): chr22:50,461,724, C>T on the plus strand (G>A on the coding strand, the complement: SBF1 is on the minus strand). VCF-style: chr22-50461724-C-T. GRCh37 (hg19) VCF-style: chr22-50900153-C-T.
Other names: c.2647-6G>A (NM_001365819.1).
Identifiers: ClinVar variation 1621685 (VCV001621685.10), dbSNP rs540628178, ClinGen allele CA10317107.